The following is an entry in ClinVar:

ClinVar aggregate classification (germline): Uncertain significance (1 of 4 stars; one submission).

Submission:

GeneDx
Classification: Uncertain significance. Last evaluated: 2024-09-24. Review status: criteria provided, single submitter. Criteria: GeneDx Variant Classification Process June 2021. Collection method: clinical testing. Allele origin: germline. Affected: yes.
Comment: Has not been previously published as pathogenic or benign to our knowledge; Not observed at significant frequency in large population cohorts (gnomAD); In silico analysis supports that this missense variant has a deleterious effect on protein structure/function; Located in one of the three hot-spot regions of the RYR2 gene, where the majority of pathogenic missense variants occur (PMID: 19926015); This variant is associated with the following publications: (PMID: 19926015)

NM_001035.3(RYR2):c.12569T>C (p.Val4190Ala)

Genes: RYR2 (ryanodine receptor 2; plus strand), LOC126806068 (BRD4-independent group 4 enhancer GRCh37_chr1:237947411-237948610; plus strand). Cytogenetic location: 1q43.
Variant type: single nucleotide variant.
Coding change: c.12569T>C on transcript NM_001035.3 (MANE Select); coding-DNA position 12569, T replaced by C.
Protein change: p.Val4190Ala; replaces valine 4190 with alanine.
Molecular consequence: missense variant.
Genome position (GRCh38, 1-based): chr1:237,784,281, T>C. VCF-style: chr1-237784281-T-C. GRCh37 (hg19) VCF-style: chr1-237947581-T-C.
Other names: short protein forms V4190A.
Identifiers: ClinVar variation 3773927 (VCV003773927.1).